The following is an entry in ClinVar:

ClinVar aggregate classification (germline): Uncertain significance (1 of 4 stars; one submission).

Conditions:
Hereditary pancreatitis (PCTT). Also called: Hereditary chronic pancreatitis; PRSS1-Related Hereditary Pancreatitis. Identifiers: Orphanet 676, MedGen C0238339, MONDO:0008185, OMIM 167800.

gnomAD v4.1: 1 of 1,613,700 alleles (0.000062%); highest among the groups gnomAD compares: Non-Finnish European, 0.000085%; no homozygotes.

Submission:

Ambry Genetics
Classification: Uncertain significance for Hereditary pancreatitis. Last evaluated: 2025-07-19. Review status: criteria provided, single submitter. Criteria: Ambry Variant Classification Scheme 2023. Collection method: clinical testing. Allele origin: germline.
Comment: The p.V232G variant (also known as c.695T>G), located in coding exon 5 of the PRSS1 gene, results from a T to G substitution at nucleotide position 695. The valine at codon 232 is replaced by glycine, an amino acid with dissimilar properties. This amino acid position is conserved. In addition, this alteration is predicted to be deleterious by in silico analysis. Since supporting evidence is limited at this time, the clinical significance of this alteration remains unclear.

NM_002769.5(PRSS1):c.695T>G (p.Val232Gly)

Genes: PRSS1 (serine protease 1; plus strand), TRB (T cell receptor beta locus; plus strand). Cytogenetic location: 7q34.
Variant type: single nucleotide variant.
Coding change: c.695T>G on transcript NM_002769.5 (MANE Select); coding-DNA position 695, T replaced by G.
Protein change: p.Val232Gly; replaces valine 232 with glycine.
Molecular consequence: missense variant. On other transcripts: non-coding transcript variant (5).
Genome position (GRCh38, 1-based): chr7:142,752,971, T>G. VCF-style: chr7-142752971-T-G. GRCh37 (hg19) VCF-style: chr7-142460822-T-G.
Other names: short protein forms V232G.
Identifiers: ClinVar variation 2561590 (VCV002561590.3), dbSNP rs2485769710, ClinGen allele CA369610926.